The following is an entry in ClinVar:

NM_015910.7(WDPCP):c.424T>C (p.Ser142Pro)

Gene: WDPCP (WD repeat containing planar cell polarity effector; minus strand). Cytogenetic location: 2p15.
Variant type: single nucleotide variant.
Coding change: c.424T>C on transcript NM_015910.7 (MANE Select); coding-DNA position 424, T replaced by C.
Protein change: p.Ser142Pro; replaces serine 142 with proline.
Molecular consequence: missense variant. On other transcripts: non-coding transcript variant (2).
Genome position (GRCh38, 1-based): chr2:63,439,832, A>G on the plus strand (T>C on the coding strand, the complement: WDPCP is on the minus strand). VCF-style: chr2-63439832-A-G. GRCh37 (hg19) VCF-style: chr2-63666966-A-G.
Other names: c.352T>C, p.Ser118Pro (NM_001354044.2); c.424T>C, p.Ser142Pro (NM_001354045.2); c.424T>C (NM_015910.5); short protein forms S118P, S142P.
Identifiers: ClinVar variation 1018061 (VCV001018061.9), dbSNP rs529607482, ClinGen allele CA1682470.

ClinVar aggregate classification (germline): Uncertain significance. Review status: criteria provided, multiple submitters, no conflicts (2 of 4 stars). 2 submissions from 2 submitters: Uncertain significance (2). Last evaluated 2025-03-03.

Conditions:
Bardet-Biedl syndrome (BBS). Identifiers: Orphanet 110, MedGen C0752166, MONDO:0015229.
WDPCP-related disorder. Also called: WDPCP-related condition.

Allele frequency attached by ClinVar (database versions not stated): gnomAD 0.00001 and 0.00003; gnomAD exomes 0.00001 and 0.00004; TOPMed 0.00001; ExAC 0.00005; 1000 Genomes Project 30x 0.00031; 1000 Genomes Project 0.00040.
gnomAD v4.1: 14 of 1,613,230 alleles (0.00087%); highest among the groups gnomAD compares: East Asian, 0.029%; no homozygotes.

Submissions (2):

PreventionGenetics, part of Exact Sciences
Classification: Uncertain significance for WDPCP-related condition. Last evaluated: 2025-03-03. Review status: criteria provided, single submitter. Criteria: ACMG Guidelines, 2015. Collection method: clinical testing. Allele origin: germline.
Comment: The WDPCP c.424T>C variant is predicted to result in the amino acid substitution p.Ser142Pro. To our knowledge, this variant has not been reported in the literature. This variant is reported in 0.056% of alleles in individuals of East Asian descent in gnomAD. This variant could be benign. At this time, the clinical significance of this variant is uncertain due to the absence of conclusive functional and genetic evidence.

Labcorp Genetics (formerly Invitae), Labcorp
Classification: Uncertain significance for Bardet-Biedl syndrome. Last evaluated: 2024-02-23. Review status: criteria provided, single submitter. Criteria: Invitae Variant Classification Sherloc (09022015). Collection method: clinical testing. Allele origin: germline.
Comment: This sequence change replaces serine, which is neutral and polar, with proline, which is neutral and non-polar, at codon 142 of the WDPCP protein (p.Ser142Pro). This variant is present in population databases (rs529607482, gnomAD 0.05%). This variant has not been reported in the literature in individuals affected with WDPCP-related conditions. ClinVar contains an entry for this variant (Variation ID: 1018061). Advanced modeling of protein sequence and biophysical properties (such as structural, functional, and spatial information, amino acid conservation, physicochemical variation, residue mobility, and thermodynamic stability) has been performed at Invitae for this missense variant, however the output from this modeling did not meet the statistical confidence thresholds required to predict the impact of this variant on WDPCP protein function. In summary, the available evidence is currently insufficient to determine the role of this variant in disease. Therefore, it has been classified as a Variant of Uncertain Significance.